The following is an entry in ClinVar:

NM_000540.3(RYR1):c.6897G>C (p.Val2299=)

Gene: RYR1 (ryanodine receptor 1; plus strand). Cytogenetic location: 19q13.2.
Variant type: single nucleotide variant.
Coding change: c.6897G>C on transcript NM_000540.3 (MANE Select); coding-DNA position 6897, G replaced by C.
Protein change: p.Val2299=; no amino-acid change (valine 2299 retained).
Molecular consequence: synonymous variant.
Genome position (GRCh38, 1-based): chr19:38,499,113, G>C. VCF-style: chr19-38499113-G-C. GRCh37 (hg19) VCF-style: chr19-38989753-G-C.
Other names: c.6897G>C, p.Val2299= (NM_001042723.2).
Identifiers: ClinVar variation 1103611 (VCV001103611.53), dbSNP rs767454302, ClinGen allele CA068918.

ClinVar aggregate classification (germline): Likely benign. Review status: criteria provided, multiple submitters, no conflicts (2 of 4 stars). 4 submissions from 4 submitters: Likely benign (4). Last evaluated 2025-09-24.

Conditions:
RYR1-related disorder. Also called: RYR1-related disorders; RYR1-related condition. Identifiers: MedGen CN239331.
Malignant hyperthermia, susceptibility to, 1 (MHS1). Also called: RYR1-Related Malignant Hyperthermia Susceptibility; Malignant hyperthermia suceptibility 1; Anesthesia related hyperthermia; Malignant hyperpyrexia; Fulminating hyperpyrexia; Pharmacogenic myopathy. Identifiers: Orphanet 423, MedGen C2930980, MONDO:0007783, OMIM 145600.

Allele frequency attached by ClinVar (database versions not stated): TOPMed below 0.00001.
gnomAD v4.1: 20 of 1,614,130 alleles (0.0012%); highest among the groups gnomAD compares: East Asian, 0.045%; no homozygotes.

Submissions (4):

Labcorp Genetics (formerly Invitae), Labcorp
Classification: Likely benign for RYR1-related disorder. Last evaluated: 2025-09-24. Review status: criteria provided, single submitter. Criteria: Invitae Variant Classification Sherloc (09022015). Collection method: clinical testing. Allele origin: germline.

All of Us Research Program, National Institutes of Health
Classification: Likely benign for Malignant hyperthermia, susceptibility to, 1. Last evaluated: 2023-12-18. Review status: criteria provided, single submitter. Criteria: ACMG Guidelines, 2015. Collection method: clinical testing. Allele origin: germline. Inheritance: Autosomal dominant inheritance. Observed: 3 variant alleles, 3 heterozygotes.
Comment: This study involves interpretation of variants in research participants for the purpose of population health screening. Participant phenotype was not available at the time of variant classification. Additional details can be found in publication PMID: 35346344, PMCID: PMC8962531

Color Diagnostics, LLC DBA Color Health
Classification: Likely benign for Malignant hyperthermia, susceptibility to, 1. Last evaluated: 2022-11-06. Review status: criteria provided, single submitter. Criteria: ACMG Guidelines, 2015. Collection method: clinical testing. Allele origin: germline.

Women's Health and Genetics/Laboratory Corporation of America, LabCorp
Classification: Likely benign. Last evaluated: 2022-03-04. Review status: criteria provided, single submitter. Criteria: LabCorp Variant Classification Summary - May 2015. Collection method: clinical testing. Allele origin: germline.
Comment: Variant summary: RYR1 c.6897G>C alters a non-conserved nucleotide resulting in a synonymous change. 4/4 computational tools predict no significant impact on normal splicing. However, these predictions have yet to be confirmed by functional studies. The variant allele was found at a frequency of 3.2e-05 in 251032 control chromosomes. The available data on variant occurrences in the general population are insufficient to allow any conclusion about variant significance. To our knowledge, no occurrence of c.6897G>C in individuals affected with Malignant Hyperthermia Susceptibility and no experimental evidence demonstrating its impact on protein function have been reported. Two clinical diagnostic laboratories have submitted clinical-significance assessments for this variant to ClinVar after 2014 without evidence for independent evaluation. All laboratories classified the variant as likely benign. Based on the evidence outlined above, the variant was classified as likely benign.